The following is an entry in ClinVar:

ClinVar aggregate classification (germline): Uncertain significance. Review status: criteria provided, multiple submitters, no conflicts (2 of 4 stars). 3 submissions from 3 submitters: Uncertain significance (3). Last evaluated 2025-02-20.

Allele frequency attached by ClinVar (database versions not stated): TOPMed below 0.00001; ExAC 0.00001; gnomAD 0.00001; gnomAD exomes 0.00001 and 0.00002; ESP Exome Variant Server 0.00008.

Submissions (3):

Ambry Genetics
Classification: Uncertain significance. Last evaluated: 2025-02-20. Review status: criteria provided, single submitter. Criteria: Ambry Variant Classification Scheme 2023. Collection method: clinical testing. Allele origin: germline.
Comment: The p.R127W variant (also known as c.379C>T), located in coding exon 3 of the RNF43 gene, results from a C to T substitution at nucleotide position 379. The arginine at codon 127 is replaced by tryptophan, an amino acid with dissimilar properties. This amino acid position is well conserved in available vertebrate species. In addition, the in silico prediction for this alteration is inconclusive. The evidence for this gene-disease relationship is limited; therefore, the clinical significance of this alteration is unclear.

GeneDx
Classification: Uncertain significance. Last evaluated: 2023-12-21. Review status: criteria provided, single submitter. Criteria: GeneDx Variant Classification Process June 2021. Collection method: clinical testing. Allele origin: germline. Affected: yes.
Comment: Not observed at significant frequency in large population cohorts (gnomAD); In silico analysis supports that this missense variant has a deleterious effect on protein structure/function; Observed in individuals with a family history of breast or ovarian cancer (PMID: 36427680); Variants in candidate genes are classified as variants of uncertain significance in accordance with ACMG guidelines (PMID: 25741868); This variant is associated with the following publications: (PMID: 36427680)

Labcorp Genetics (formerly Invitae), Labcorp
Classification: Uncertain significance. Last evaluated: 2022-10-19. Review status: criteria provided, single submitter. Criteria: Invitae Variant Classification Sherloc (09022015). Collection method: clinical testing. Allele origin: germline.
Comment: This sequence change replaces arginine, which is basic and polar, with tryptophan, which is neutral and slightly polar, at codon 127 of the RNF43 protein (p.Arg127Trp). This variant is present in population databases (rs369636118, gnomAD 0.01%). This variant has not been reported in the literature in individuals affected with RNF43-related conditions. ClinVar contains an entry for this variant (Variation ID: 1370489). Algorithms developed to predict the effect of missense changes on protein structure and function are either unavailable or do not agree on the potential impact of this missense change (SIFT: "Deleterious"; PolyPhen-2: "Probably Damaging"; Align-GVGD: "Class C0"). In summary, the available evidence is currently insufficient to determine the role of this variant in disease. Therefore, it has been classified as a Variant of Uncertain Significance.

NM_017763.6(RNF43):c.379C>T (p.Arg127Trp)

Gene: RNF43 (ring finger protein 43; minus strand). Cytogenetic location: 17q22.
Variant type: single nucleotide variant.
Coding change: c.379C>T on transcript NM_017763.6 (MANE Select); coding-DNA position 379, C replaced by T.
Protein change: p.Arg127Trp; replaces arginine 127 with tryptophan.
Molecular consequence: missense variant.
Genome position (GRCh38, 1-based): chr17:58,363,597, G>A on the plus strand (C>T on the coding strand, the complement: RNF43 is on the minus strand). VCF-style: chr17-58363597-G-A. GRCh37 (hg19) VCF-style: chr17-56440958-G-A.
Other names: c.379C>T, p.Arg127Trp (NM_001305544.3); c.-3C>T (NM_001305545.2); short protein forms R127W.
Identifiers: ClinVar variation 1370489 (VCV001370489.10), dbSNP rs369636118, ClinGen allele CA8673442.